The following is an entry in ClinVar:

NM_170606.3(KMT2C):c.6311C>A (p.Ala2104Glu)

Gene: KMT2C (lysine methyltransferase 2C; minus strand). Cytogenetic location: 7q36.1.
Variant type: single nucleotide variant.
Coding change: c.6311C>A on transcript NM_170606.3 (MANE Select); coding-DNA position 6311, C replaced by A.
Protein change: p.Ala2104Glu; replaces alanine 2104 with glutamic acid.
Molecular consequence: missense variant.
Genome position (GRCh38, 1-based): chr7:152,181,549, G>T on the plus strand (C>A on the coding strand, the complement: KMT2C is on the minus strand). VCF-style: chr7-152181549-G-T. GRCh37 (hg19) VCF-style: chr7-151878634-G-T.
Other names: short protein forms A2104E.
Identifiers: ClinVar variation 3715921 (VCV003715921.2).

ClinVar aggregate classification (germline): Uncertain significance (1 of 4 stars; one submission).

Submission:

Labcorp Genetics (formerly Invitae), Labcorp
Classification: Uncertain significance. Last evaluated: 2024-12-06. Review status: criteria provided, single submitter. Criteria: Invitae Variant Classification Sherloc (09022015). Collection method: clinical testing. Allele origin: germline.
Comment: This sequence change replaces alanine, which is neutral and non-polar, with glutamic acid, which is acidic and polar, at codon 2104 of the KMT2C protein (p.Ala2104Glu). This variant is not present in population databases (gnomAD no frequency). This variant has not been reported in the literature in individuals affected with KMT2C-related conditions. Invitae Evidence Modeling of protein sequence and biophysical properties (such as structural, functional, and spatial information, amino acid conservation, physicochemical variation, residue mobility, and thermodynamic stability) has been performed for this missense variant. However, the output from this modeling did not meet the statistical confidence thresholds required to predict the impact of this variant on KMT2C protein function. In summary, the available evidence is currently insufficient to determine the role of this variant in disease. Therefore, it has been classified as a Variant of Uncertain Significance.